The following is an entry in ClinVar:

ClinVar aggregate classification (germline): Benign/Likely benign. Review status: criteria provided, multiple submitters, no conflicts (2 of 4 stars). 4 submissions from 4 submitters: Benign (2); Likely benign (2). Last evaluated 2025-11-18.

Allele frequency attached by ClinVar (database versions not stated): gnomAD 0.00123 and 0.00129; 1000 Genomes Project 30x 0.00031; 1000 Genomes Project 0.00060; ExAC 0.00065; ESP Exome Variant Server 0.00107.
gnomAD v4.1: 766 of 1,525,872 alleles (0.05%); highest among the groups gnomAD compares: Middle Eastern, 0.96%; 169 homozygotes.

Submissions (4):

Mayo Clinic Laboratories, Mayo Clinic
Classification: Likely benign. Last evaluated: 2025-11-18. Review status: criteria provided, single submitter. Criteria: ACMG Guidelines, 2015. Collection method: clinical testing. Allele origin: germline. Observed: 16 variant alleles.
Comment: BP4, BP7

CeGaT Center for Human Genetics Tuebingen
Classification: Likely benign. Last evaluated: 2025-08-01. Review status: criteria provided, single submitter. Criteria: CeGaT Center For Human Genetics Tuebingen Variant Classification Criteria Version 2. Collection method: clinical testing. Allele origin: germline. Affected: yes. Observed: 3 variant alleles.
Comment: CFHR3: BP4, BP7

Labcorp Genetics (formerly Invitae), Labcorp
Classification: Benign. Last evaluated: 2019-12-31. Review status: criteria provided, single submitter. Criteria: Invitae Variant Classification Sherloc (09022015). Collection method: clinical testing. Allele origin: germline.

Breakthrough Genomics
Classification: Benign. Review status: criteria provided, single submitter. Criteria: ACMG Guidelines, 2015. Collection method: not provided. Allele origin: germline. Inheritance: Autosomal recessive inheritance. Affected: yes.

NM_021023.6(CFHR3):c.958C>A (p.Arg320=)

Gene: CFHR3 (complement factor H related 3; plus strand). Cytogenetic location: 1q31.3.
Variant type: single nucleotide variant.
Coding change: c.958C>A on transcript NM_021023.6 (MANE Select); coding-DNA position 958, C replaced by A.
Protein change: p.Arg320=; no amino-acid change (arginine 320 retained).
Molecular consequence: synonymous variant.
Genome position (GRCh38, 1-based): chr1:196,793,478, C>A. VCF-style: chr1-196793478-C-A. GRCh37 (hg19) VCF-style: chr1-196762608-C-A.
Other names: p.Arg320=; c.775C>A, p.Arg259= (NM_001166624.2).
Identifiers: ClinVar variation 734286 (VCV000734286.29), dbSNP rs145280059, ClinGen allele CA1306331.